The following is an entry in ClinVar:

ClinVar aggregate classification (germline): Uncertain significance (1 of 4 stars; one submission).

Conditions:
Inborn genetic diseases. Identifiers: MedGen C0950123, MeSH D030342.

Submission:

Ambry Genetics
Classification: Uncertain significance for Inborn genetic diseases. Last evaluated: 2026-04-12. Review status: criteria provided, single submitter. Criteria: Ambry Variant Classification Scheme 2023. Collection method: clinical testing. Allele origin: germline.
Comment: The p.V80I variant (also known as c.238G>A), located in coding exon 2 of the BMPR2 gene, results from a G to A substitution at nucleotide position 238. The valine at codon 80 is replaced by isoleucine, an amino acid with highly similar properties. This amino acid position is conserved. In addition, the in silico prediction for this alteration is inconclusive. Based on the available evidence, the clinical significance of this variant remains unclear.

NM_001204.7(BMPR2):c.238G>A (p.Val80Ile)

Gene: BMPR2 (bone morphogenetic protein receptor type 2; plus strand). Cytogenetic location: 2q33.1.
Variant type: single nucleotide variant.
Coding change: c.238G>A on transcript NM_001204.7 (MANE Select); coding-DNA position 238, G replaced by A.
Protein change: p.Val80Ile; replaces valine 80 with isoleucine.
Molecular consequence: missense variant.
Genome position (GRCh38, 1-based): chr2:202,464,970, G>A. VCF-style: chr2-202464970-G-A. GRCh37 (hg19) VCF-style: chr2-203329693-G-A.
Other names: short protein forms V80I.
Identifiers: ClinVar variation 4867601 (VCV004867601.1).